The following is an entry in ClinVar:

NM_001365951.3(KIF1B):c.5155G>T (p.Ala1719Ser)

Gene: KIF1B (kinesin family member 1B; plus strand). Cytogenetic location: 1p36.22.
Variant type: single nucleotide variant.
Coding change: c.5155G>T on transcript NM_001365951.3 (MANE Select); coding-DNA position 5155, G replaced by T.
Protein change: p.Ala1719Ser; replaces alanine 1719 with serine.
Molecular consequence: missense variant.
Genome position (GRCh38, 1-based): chr1:10,374,912, G>T. VCF-style: chr1-10374912-G-T. GRCh37 (hg19) VCF-style: chr1-10434970-G-T.
Other names: c.5155G>T, p.Ala1719Ser (NM_001365952.1); c.5017G>T, p.Ala1673Ser (NM_015074.3); short protein forms A1719S, A1673S.
Identifiers: ClinVar variation 4543653 (VCV004543653.1).

ClinVar aggregate classification (germline): Uncertain significance (1 of 4 stars; one submission).

Submission:

Ambry Genetics
Classification: Uncertain significance. Last evaluated: 2025-10-26. Review status: criteria provided, single submitter. Criteria: Ambry Variant Classification Scheme 2023. Collection method: clinical testing. Allele origin: germline.
Comment: The p.A1673S variant (also known as c.5017G>T), located in coding exon 44 of the KIF1B gene, results from a G to T substitution at nucleotide position 5017. The alanine at codon 1673 is replaced by serine, an amino acid with similar properties. This amino acid position is conserved. In addition, this alteration is predicted to be tolerated by in silico analysis. Based on the available evidence, the clinical significance of this variant remains unclear.